The following is an entry in ClinVar:

ClinVar aggregate classification (germline): Uncertain significance. Review status: criteria provided, multiple submitters, no conflicts (2 of 4 stars). 3 submissions from 3 submitters: Uncertain significance (3). Last evaluated 2026-03-05.

Conditions:
WNT5A-related disorder. Also called: WNT5A-related condition.
Inborn genetic diseases. Identifiers: MedGen C0950123, MeSH D030342.

Allele frequency attached by ClinVar (database versions not stated): TOPMed 0.00003; ExAC 0.00006; gnomAD 0.00002; gnomAD exomes 0.00002.
gnomAD v4.1: 33 of 1,530,380 alleles (0.0022%); highest among the groups gnomAD compares: African/African-American, 0.0027%; no homozygotes.

Submissions (3):

PreventionGenetics, part of Exact Sciences
Classification: Uncertain significance for WNT5A-related condition. Last evaluated: 2026-03-05. Review status: criteria provided, single submitter. Criteria: ACMG Guidelines, 2015. Collection method: clinical testing. Allele origin: germline.
Comment: The WNT5A c.686C>T variant is predicted to result in the amino acid substitution p.Thr229Met. This variant has been reported in the heterozygous state in an individual with non-syndromic left side cleft lip and palate (Patient CLP_37 in Dąbrowska et al. 2022. PubMed ID: 35778651). This variant is reported in 0.0057% of alleles in individuals of European (Non-Finnish) descent in gnomAD. At this time, the clinical significance of this variant is uncertain due to the absence of conclusive functional and genetic evidence.

Ambry Genetics
Classification: Uncertain significance for Inborn genetic diseases. Last evaluated: 2026-02-24. Review status: criteria provided, single submitter. Criteria: Ambry Variant Classification Scheme 2023. Collection method: clinical testing. Allele origin: germline.

Labcorp Genetics (formerly Invitae), Labcorp
Classification: Uncertain significance. Last evaluated: 2023-10-29. Review status: criteria provided, single submitter. Criteria: Invitae Variant Classification Sherloc (09022015). Collection method: clinical testing. Allele origin: germline.
Comment: This sequence change replaces threonine, which is neutral and polar, with methionine, which is neutral and non-polar, at codon 229 of the WNT5A protein (p.Thr229Met). The frequency data for this variant in the population databases is considered unreliable, as metrics indicate poor data quality at this position in the gnomAD database. This missense change has been observed in individual(s) with clinical features of Robinow syndrome (PMID: 35778651). An algorithm developed to predict the effect of missense changes on protein structure and function (PolyPhen-2) suggests that this variant is likely to be tolerated. In summary, the available evidence is currently insufficient to determine the role of this variant in disease. Therefore, it has been classified as a Variant of Uncertain Significance.

Literature cited by the submitters: PubMed 35778651 (cited by Labcorp Genetics (formerly Invitae), Labcorp).

NM_003392.7(WNT5A):c.686C>T (p.Thr229Met)

Gene: WNT5A (Wnt family member 5A; minus strand). Cytogenetic location: 3p14.3.
Variant type: single nucleotide variant.
Coding change: c.686C>T on transcript NM_003392.7 (MANE Select); coding-DNA position 686, C replaced by T.
Protein change: p.Thr229Met; replaces threonine 229 with methionine.
Molecular consequence: missense variant.
Genome position (GRCh38, 1-based): chr3:55,470,549, G>A on the plus strand (C>T on the coding strand, the complement: WNT5A is on the minus strand). VCF-style: chr3-55470549-G-A. GRCh37 (hg19) VCF-style: chr3-55504577-G-A.
Other names: c.641C>T, p.Thr214Met (NM_001256105.1, NM_001377271.1, NM_001377272.1); c.686C>T (NM_003392.4, NM_003392.3); short protein forms T229M, T214M.
Identifiers: ClinVar variation 2711706 (VCV002711706.6), dbSNP rs769829279, ClinGen allele CA2458984.